The following is an entry in ClinVar:

ClinVar aggregate classification (germline): Uncertain significance (1 of 4 stars; one submission).

Conditions:
Inborn genetic diseases. Identifiers: MedGen C0950123, MeSH D030342.

Submission:

Ambry Genetics
Classification: Uncertain significance for Inborn genetic diseases. Last evaluated: 2021-12-23. Review status: criteria provided, single submitter. Criteria: Ambry Variant Classification Scheme 2023. Collection method: clinical testing. Allele origin: germline.
Comment: The p.G712S variant (also known as c.2134G>A), located in coding exon 10 of the ATR gene, results from a G to A substitution at nucleotide position 2134. The glycine at codon 712 is replaced by serine, an amino acid with similar properties. This amino acid position is conserved. In addition, the in silico prediction for this alteration is inconclusive. Since supporting evidence is limited at this time, the clinical significance of this alteration remains unclear.

NM_001184.4(ATR):c.2134G>A (p.Gly712Ser)

Gene: ATR (ATR checkpoint kinase; minus strand). Cytogenetic location: 3q23.
Variant type: single nucleotide variant.
Coding change: c.2134G>A on transcript NM_001184.4 (MANE Select); coding-DNA position 2134, G replaced by A.
Protein change: p.Gly712Ser; replaces glycine 712 with serine.
Molecular consequence: missense variant.
Genome position (GRCh38, 1-based): chr3:142,556,084, C>T on the plus strand (G>A on the coding strand, the complement: ATR is on the minus strand). VCF-style: chr3-142556084-C-T. GRCh37 (hg19) VCF-style: chr3-142274926-C-T.
Other names: c.1942G>A, p.Gly648Ser (NM_001354579.2); short protein forms G712S, G648S.
Identifiers: ClinVar variation 1786459 (VCV001786459.2), dbSNP rs2108471565, ClinGen allele CA354818921.